The following is an entry in ClinVar:

NC_000011.9:g.(?_32456236)_(32460464_?)dup

Genes: WT1-AS (WT1 antisense RNA; plus strand), WT1 (WT1 transcription factor; minus strand). Cytogenetic location: 11p13.
Variant type: Duplication.
Identifiers: ClinVar variation 3244690 (VCV003244690.1).

ClinVar aggregate classification (germline): Uncertain significance (1 of 4 stars; one submission).

Conditions:
Wilms tumor 1 (WT1). Also called: Wilms tumor, somatic. Identifiers: Orphanet 654, MedGen CN033288, MONDO:0008679, OMIM 194070.
11p partial monosomy syndrome (WAGR). Also called: CHROMOSOME 11p13 DELETION SYNDROME; WAGR syndrome; WAGR Complex; WAGR Spectrum Disorder. Identifiers: Orphanet 893, MedGen C0206115, MONDO:0008681, OMIM 194072.
Drash syndrome (DDS). Also called: NEPHROPATHY, WILMS TUMOR, AND GENITAL ANOMALIES; WILMS TUMOR AND PSEUDO- OR TRUE HERMAPHRODITISM. Identifiers: Orphanet 220, MedGen C0950121, MONDO:0008682, OMIM 194080.
Frasier syndrome. Identifiers: Orphanet 347, MedGen C0950122, MeSH D052159, MONDO:0007635, OMIM 136680.

Submission:

Labcorp Genetics (formerly Invitae), Labcorp
Classification: Uncertain significance for Wilms tumor 1; Drash syndrome; 11p partial monosomy syndrome; Frasier syndrome. Last evaluated: 2023-09-29. Review status: criteria provided, single submitter. Criteria: Invitae Variant Classification Sherloc (09022015). Collection method: clinical testing. Allele origin: unknown.
Comment: This variant results in a copy number gain of the genomic region encompassing exon(s) 1 of the WT1 gene. This region includes the initiator codon of the gene. This copy number gain extends beyond the assayed region for this gene and therefore may encompass additional genes. As the precise location of this event is unknown, it may be in tandem or it may be located elsewhere in the genome. This variant has not been reported in the literature in individuals affected with WT1-related conditions. In summary, the available evidence is currently insufficient to determine the role of this variant in disease. Therefore, it has been classified as a Variant of Uncertain Significance.